The following is an entry in ClinVar:

ClinVar aggregate classification (germline): Uncertain significance (1 of 4 stars; one submission).

Submission:

GeneDx
Classification: Uncertain significance. Last evaluated: 2026-03-24. Review status: criteria provided, single submitter. Criteria: GeneDx Variant Classification Process June 2021. Collection method: clinical testing. Allele origin: germline.
Comment: Not observed at significant frequency in large population cohorts (gnomAD); In silico analysis suggests that this missense variant does not alter protein structure/function; Has not been previously published as pathogenic or benign to our knowledge

NM_001415.4(EIF2S3):c.22G>A (p.Val8Met)

Genes: EIF2S3 (eukaryotic translation initiation factor 2 subunit gamma; plus strand), LOC130068055 (ATAC-STARR-seq lymphoblastoid active region 29496; plus strand). Cytogenetic location: Xp22.11.
Variant type: single nucleotide variant.
Coding change: c.22G>A on transcript NM_001415.4 (MANE Select); coding-DNA position 22, G replaced by A.
Protein change: p.Val8Met; replaces valine 8 with methionine.
Molecular consequence: missense variant.
Genome position (GRCh38, 1-based): chrX:24,054,990, G>A. VCF-style: chrX-24054990-G-A. GRCh37 (hg19) VCF-style: chrX-24073107-G-A.
Other names: short protein forms V8M.
Identifiers: ClinVar variation 4086467 (VCV004086467.2).